The following is an entry in ClinVar:

NM_000307.5(POU3F4):c.76C>T (p.Gln26Ter)

Gene: POU3F4 (POU class 3 homeobox 4; plus strand). Cytogenetic location: Xq21.1.
Variant type: single nucleotide variant.
Coding change: c.76C>T on transcript NM_000307.5 (MANE Select); coding-DNA position 76, C replaced by T.
Protein change: p.Gln26Ter; replaces glutamine 26 with a stop codon.
Molecular consequence: nonsense.
Genome position (GRCh38, 1-based): chrX:83,508,400, C>T. VCF-style: chrX-83508400-C-T. GRCh37 (hg19) VCF-style: chrX-82763408-C-T.
Other names: short protein forms Q26*.
Identifiers: ClinVar variation 4857595 (VCV004857595.1).

ClinVar aggregate classification (germline): Pathogenic (1 of 4 stars; one submission).

Conditions:
X-linked mixed hearing loss with perilymphatic gusher. Also called: NANCE DEAFNESS; Gusher syndrome; PERILYMPHATIC GUSHER-DEAFNESS SYNDROME; SENSORINEURAL DEAFNESS, PROFOUND, WITH OR WITHOUT A CONDUCTIVE COMPONENT, ASSOCIATED WITH A UNIQUE DEVELOPMENTAL ABNORMALITY OF THE EAR; Deafness, X-linked 2. Identifiers: Orphanet 383, MedGen C1844678, MONDO:0010576, OMIM 304400.

Submission:

Department of Otolaryngology-Head and Neck Surgery, Shanghai Jiao Tong University Affiliated Sixth People’s Hospital
Classification: Pathogenic for X-linked mixed hearing loss with perilymphatic gusher. Last evaluated: 2026-06-01. Review status: criteria provided, single submitter. Criteria: ACMG Guidelines, 2015. Collection method: provider interpretation. Allele origin: maternal. Inheritance: X-linked recessive inheritance. Affected: yes. Observed: 1 variant allele, 1 hemizygote.
Comment: POU3F4( NM_000307.5):c.76C>T p.(Gln26Ter) is an N-terminal nonsense variant leading to premature protein truncation and predicted NMD-mediated loss-of-function; LoF variants in this gene are the established cause of X-linked deafness type 3 (DFN3) (PVS1). The variant is extremely rare in population databases (PM2) and segregates perfectly with congenital severe hearing loss and typical DFN3 inner ear malformations in a 3-generation Chinese family following X-linked recessive inheritance (PP1_Strong, PP4). Multiple in silico conservation and functional prediction tools support a deleterious effect of this variant on protein function, consistent with the PP3 criterion. Final classification: Pathogenic (PVS1+PP1_Strong+PM2+PP3+PP4).

Literature cited by the submitters: PubMed 21193157; PubMed 10407036; PubMed 7839145; PubMed 31490266.